The following is an entry in ClinVar:

NM_000038.6(APC):c.6974G>A (p.Gly2325Asp)

Gene: APC (APC regulator of Wnt signaling pathway; plus strand). Cytogenetic location: 5q22.2.
Variant type: single nucleotide variant.
Coding change: c.6974G>A on transcript NM_000038.6 (MANE Select); coding-DNA position 6974, G replaced by A.
Protein change: p.Gly2325Asp; replaces glycine 2325 with aspartic acid.
Molecular consequence: missense variant.
Genome position (GRCh38, 1-based): chr5:112,842,568, G>A. VCF-style: chr5-112842568-G-A. GRCh37 (hg19) VCF-style: chr5-112178265-G-A.
Other names: c.6974G>A, p.Gly2325Asp (NM_001127510.3, NM_001354895.2); c.6920G>A, p.Gly2307Asp (NM_001127511.3); c.7028G>A, p.Gly2343Asp (NM_001354896.2); c.7004G>A, p.Gly2335Asp (NM_001354897.2); c.6899G>A, p.Gly2300Asp (NM_001354898.2); c.6890G>A, p.Gly2297Asp (NM_001354899.2); c.6851G>A, p.Gly2284Asp (NM_001354900.2); c.6797G>A, p.Gly2266Asp (NM_001354901.2); and 5 more; short protein forms G2307D, G2325D, G2165D, G2199D, G2234D, G2343D, G2284D, G2297D.
Identifiers: ClinVar variation 482344 (VCV000482344.45), dbSNP rs1554087886, ClinGen allele CA16036537.
Genomic context (GRCh38, chr5:112,842,568, plus strand): 5'-GAGATTCGACCCCTTCAAGACCTGCCCAGCAACCATTAAGTAGACCTATACAGTCTCCTG[G>A]CCGAAACTCAATTTCCCCTGGTAGAAATGGAATAAGTCCTCCTAACAAATTATCTCAACT-3'
Protein context (NP_000029.2, residues 2315-2335): QPLSRPIQSP[Gly2325Asp]RNSISPGRNG

ClinVar aggregate classification (germline): Uncertain significance. Review status: criteria provided, multiple submitters, no conflicts (2 of 4 stars). 6 submissions from 6 submitters: Uncertain significance (6). Last evaluated 2026-01-19.

Conditions:
Classic or attenuated familial adenomatous polyposis. Identifiers: MedGen CN372698, MONDO:0021057.
Familial adenomatous polyposis 1 (FAP1). Also called: FAMILIAL ADENOMATOUS POLYPOSIS 1, ATTENUATED; POLYPOSIS, ADENOMATOUS INTESTINAL. Identifiers: MedGen C2713442, MONDO:0021056, OMIM 175100. Disease mechanism: loss of function.
Hereditary cancer-predisposing syndrome. Also called: Hereditary neoplastic syndrome; Tumor predisposition; Neoplastic Syndromes, Hereditary; Hereditary Cancer Syndrome. Identifiers: Orphanet 140162, MedGen C0027672, MeSH D009386, MONDO:0015356.

Allele frequency attached by ClinVar (database versions not stated): gnomAD exomes below 0.00001; gnomAD 0.00001.
gnomAD v4.1: 2 of 1,613,708 alleles (0.00012%); highest among the groups gnomAD compares: Non-Finnish European, 0.00017%; no homozygotes.

Submissions (6):

Labcorp Genetics (formerly Invitae), Labcorp
Classification: Uncertain significance for Familial adenomatous polyposis 1. Last evaluated: 2026-01-19. Review status: criteria provided, single submitter. Criteria: Invitae Variant Classification Sherloc (09022015). Collection method: clinical testing. Allele origin: germline.
Comment: This sequence change replaces glycine, which is neutral and non-polar, with aspartic acid, which is acidic and polar, at codon 2325 of the APC protein (p.Gly2325Asp). This variant is not present in population databases (gnomAD no frequency). This variant has not been reported in the literature in individuals affected with APC-related conditions. ClinVar contains an entry for this variant (Variation ID: 482344). Invitae Evidence Modeling of protein sequence and biophysical properties (such as structural, functional, and spatial information, amino acid conservation, physicochemical variation, residue mobility, and thermodynamic stability) indicates that this missense variant is not expected to disrupt APC protein function with a negative predictive value of 95%. In summary, the available evidence is currently insufficient to determine the role of this variant in disease. Therefore, it has been classified as a Variant of Uncertain Significance.

Ambry Genetics
Classification: Uncertain significance for Hereditary cancer-predisposing syndrome. Last evaluated: 2025-06-06. Review status: criteria provided, single submitter. Criteria: Ambry Variant Classification Scheme 2023. Collection method: clinical testing. Allele origin: germline.
Comment: The p.G2325D variant (also known as c.6974G>A), located in coding exon 15 of the APC gene, results from a G to A substitution at nucleotide position 6974. The glycine at codon 2325 is replaced by aspartic acid, an amino acid with similar properties. This amino acid position is highly conserved in available vertebrate species. In addition, in silico predictors for this gene do not accurately predict pathogenicity. Since supporting evidence is limited at this time, the clinical significance of this alteration remains unclear.

All of Us Research Program, National Institutes of Health
Classification: Uncertain significance for Classic or attenuated familial adenomatous polyposis. Last evaluated: 2023-12-01. Review status: criteria provided, single submitter. Criteria: ACMG Guidelines, 2015. Collection method: clinical testing. Allele origin: germline. Inheritance: Autosomal dominant inheritance. Observed: 1 variant allele, 1 heterozygote.
Comment: This missense variant replaces glycine with aspartic acid at codon 2325 of the APC protein. Computational prediction is inconclusive regarding the impact of this variant on protein structure and function (internally defined REVEL score threshold 0.5 < inconclusive < 0.7, PMID: 27666373). To our knowledge, functional studies have not been reported for this variant. This variant has not been reported in individuals affected with hereditary cancer in the literature. This variant has not been identified in the general population by the Genome Aggregation Database (gnomAD). The available evidence is insufficient to determine the role of this variant in disease conclusively. Therefore, this variant is classified as a Variant of Uncertain Significance.

This study involves interpretation of variants in research participants for the purpose of population health screening. Participant phenotype was not available at the time of variant classification. Additional details can be found in publication PMID: 35346344, PMCID: PMC8962531

CeGaT Center for Human Genetics Tuebingen
Classification: Uncertain significance. Last evaluated: 2022-11-01. Review status: criteria provided, single submitter. Criteria: CeGaT Center For Human Genetics Tuebingen Variant Classification Criteria Version 2. Collection method: clinical testing. Allele origin: germline. Affected: yes. Observed: 1 variant allele.

Color Diagnostics, LLC DBA Color Health
Classification: Uncertain significance for Hereditary cancer-predisposing syndrome. Last evaluated: 2021-01-12. Review status: criteria provided, single submitter. Criteria: ACMG Guidelines, 2015. Collection method: clinical testing. Allele origin: germline.
Comment: This missense variant replaces glycine with aspartic acid at codon 2325 of the APC protein. Computational prediction is inconclusive regarding the impact of this variant on protein structure and function (internally defined REVEL score threshold 0.5 < inconclusive < 0.7, PMID: 27666373). To our knowledge, functional studies have not been reported for this variant. This variant has not been reported in individuals affected with hereditary cancer in the literature. This variant has not been identified in the general population by the Genome Aggregation Database (gnomAD). The available evidence is insufficient to determine the role of this variant in disease conclusively. Therefore, this variant is classified as a Variant of Uncertain Significance.

Institute of Human Genetics, University of Leipzig Medical Center
Classification: Uncertain significance for Familial adenomatous polyposis 1. Last evaluated: 2018-08-08. Review status: criteria provided, single submitter. Criteria: ACMG Guidelines, 2015. Collection method: clinical testing. Allele origin: germline. Affected: yes. Observed: 1 variant allele.